The following is an entry in ClinVar:

NM_004281.4(BAG3):c.781_795del (p.Arg261_Pro265del)

Gene: BAG3 (BAG cochaperone 3; plus strand). Cytogenetic location: 10q26.11.
Variant type: Deletion.
Coding change: c.781_795del on transcript NM_004281.4 (MANE Select); coding-DNA positions 781 to 795, 15 bases deleted (CGGGCGGCATCCCCG).
Protein change: p.Arg261_Pro265del.
Molecular consequence: inframe deletion.
Genome position (GRCh38, 1-based): chr10:119,672,528-119,672,542, CGGGCGGCATCCCCG deleted; deleting any 15 consecutive bases within chr10:119,672,527-119,672,542 gives the same sequence; the c. name uses the placement nearest the transcript's 3' end. VCF-style (leftmost placement, unchanged base first): chr10-119672526-TGCGGGCGGCATCCCC-T. GRCh37 (hg19) VCF-style: chr10-121432038-TGCGGGCGGCATCCCC-T.
Identifiers: ClinVar variation 2926829 (VCV002926829.2), dbSNP rs1847166370, ClinGen allele CA1940193446.

ClinVar aggregate classification (germline): Uncertain significance (1 of 4 stars; one submission).

Conditions:
Myofibrillar myopathy 6. Identifiers: Orphanet 199340, MedGen C2751831, MONDO:0013061, OMIM 612954.
Dilated cardiomyopathy 1HH (CMD1HH). Identifiers: Orphanet 154, MedGen C3151293, MONDO:0013479, OMIM 613881.

Submission:

Labcorp Genetics (formerly Invitae), Labcorp
Classification: Uncertain significance for Dilated cardiomyopathy 1HH; Myofibrillar myopathy 6. Last evaluated: 2025-12-24. Review status: criteria provided, single submitter. Criteria: Invitae Variant Classification Sherloc (09022015). Collection method: clinical testing. Allele origin: germline.
Comment: This variant, c.781_795del, results in the deletion of 5 amino acid(s) of the BAG3 protein (p.Arg261_Pro265del), but otherwise preserves the integrity of the reading frame. This variant is not present in population databases (gnomAD no frequency). This variant has not been reported in the literature in individuals affected with BAG3-related conditions. ClinVar contains an entry for this variant (Variation ID: 2926829). Experimental studies and prediction algorithms are not available or were not evaluated, and the functional significance of this variant is currently unknown. In summary, the available evidence is currently insufficient to determine the role of this variant in disease. Therefore, it has been classified as a Variant of Uncertain Significance.